The following is an entry in ClinVar:

NM_030665.4(RAI1):c.2702AGG[6] (p.Glu903_Val904insGluGluGlu)

Gene: RAI1 (retinoic acid induced 1; plus strand). Cytogenetic location: 17p11.2.
Variant type: Microsatellite.
Coding change: c.2702AGG[6] on transcript NM_030665.4 (MANE Select); six copies in a row of the 3-base unit AGG starting at c.2702; the reference has three copies in a row; three copies, 9 bases duplicated.
Protein change: p.Glu903_Val904insGluGluGlu.
Molecular consequence: inframe insertion.
Genome position (GRCh38, 1-based): chr17:17,795,650-17,795,658, AGGAGGAGG duplicated. VCF-style (leftmost placement, unchanged base first): chr17-17795649-A-AAGGAGGAGG. GRCh37 (hg19) VCF-style: chr17-17698963-A-AAGGAGGAGG.
Other names: c.2702_2710dup9 (NM_030665.3).
Identifiers: ClinVar variation 2994061 (VCV002994061.4), dbSNP rs1432083192, ClinGen allele CA625314499.

ClinVar aggregate classification (germline): Uncertain significance. Review status: criteria provided, multiple submitters, no conflicts (2 of 4 stars). 2 submissions from 2 submitters: Uncertain significance (2). Last evaluated 2025-05-28.

Conditions:
RAI1-related disorder. Also called: RAI1-related condition.

Submissions (2):

PreventionGenetics, part of Exact Sciences
Classification: Uncertain significance for RAI1-related condition. Last evaluated: 2025-05-28. Review status: criteria provided, single submitter. Criteria: ACMG Guidelines, 2015. Collection method: clinical testing. Allele origin: germline.
Comment: The RAI1 c.2702_2710dup9 variant is predicted to result in an in-frame duplication (p.Glu903_Val904insGluGluGlu). To our knowledge, this variant has not been reported in the literature. This variant is reported in 0.023% of alleles in individuals of African descent in gnomAD. At this time, the clinical significance of this variant is uncertain due to the absence of conclusive functional and genetic evidence.

Labcorp Genetics (formerly Invitae), Labcorp
Classification: Uncertain significance. Last evaluated: 2024-09-30. Review status: criteria provided, single submitter. Criteria: Invitae Variant Classification Sherloc (09022015). Collection method: clinical testing. Allele origin: germline.
Comment: This variant, c.2702_2710dup, results in the insertion of 3 amino acid(s) of the RAI1 protein (p.Glu903_Val904insGluGluGlu), but otherwise preserves the integrity of the reading frame. This variant is present in population databases (no rsID available, gnomAD 0.02%). This variant has not been reported in the literature in individuals affected with RAI1-related conditions. In summary, the available evidence is currently insufficient to determine the role of this variant in disease. Therefore, it has been classified as a Variant of Uncertain Significance.